The following is an entry in ClinVar:

ClinVar aggregate classification (germline): Conflicting classifications of pathogenicity. Review status: criteria provided, conflicting classifications (1 of 4 stars). 2 submissions from 2 submitters: Pathogenic (1); Uncertain significance (1). Last evaluated 2022-11-04.

Submissions (2):

Ambry Genetics
Classification: Uncertain significance. Last evaluated: 2022-11-04. Review status: criteria provided, single submitter. Criteria: Ambry Variant Classification Scheme 2023. Collection method: clinical testing. Allele origin: germline.
Comment: The c.1773_1776dupCTTT variant, located in coding exon 12 of the RINT1 gene, results from a duplication of CTTT at nucleotide position 1773, causing a translational frameshift with a predicted alternate stop codon (p.D593Lfs*2). This alteration is expected to result in loss of function by premature protein truncation or nonsense-mediated mRNA decay. The evidence for this gene-disease relationship is limited; therefore, the clinical significance of this alteration is unclear.

Labcorp Genetics (formerly Invitae), Labcorp
Classification: Pathogenic. Last evaluated: 2022-04-25. Review status: criteria provided, single submitter. Criteria: Invitae Variant Classification Sherloc (09022015). Collection method: clinical testing. Allele origin: germline.
Comment: This variant is present in population databases (no rsID available, gnomAD 0.0009%). For these reasons, this variant has been classified as Pathogenic. This variant has not been reported in the literature in individuals affected with RINT1-related conditions. This sequence change creates a premature translational stop signal (p.Asp593Leufs*2) in the RINT1 gene. It is expected to result in an absent or disrupted protein product. Loss-of-function variants in RINT1 are known to be pathogenic (PMID: 31204009).

Literature cited by the submitters: PubMed 31204009 (cited by Labcorp Genetics (formerly Invitae), Labcorp).

NM_021930.6(RINT1):c.1773_1776dup (p.Asp593delinsLeuTer)

Gene: RINT1 (RAD50 interactor 1; plus strand). Cytogenetic location: 7q22.3.
Variant type: Duplication.
Coding change: c.1773_1776dup on transcript NM_021930.6 (MANE Select); coding-DNA positions 1773 to 1776, 4 bases duplicated (CTTT; older notation c.1773_1776dupCTTT).
Protein change: p.Asp593delinsLeuTer.
Molecular consequence: nonsense. On other transcripts: non-coding transcript variant (1).
Genome position (GRCh38, 1-based): chr7:105,563,834-105,563,837, CTTT duplicated; duplicating any 4 consecutive bases within chr7:105,563,833-105,563,837 gives the same sequence; the c. name uses the placement nearest the transcript's 3' end. VCF-style (leftmost placement, unchanged base first): chr7-105563832-G-GTCTT. GRCh37 (hg19) VCF-style: chr7-105204279-G-GTCTT.
Other names: c.1773_1776dupCTTT (NM_021930.4); c.1539_1542dup, p.Asp515delinsLeuTer (NM_001346599.2); c.750_753dup, p.Asp252delinsLeuTer (NM_001346600.2, NM_001346603.2); c.849_852dup, p.Asp285delinsLeuTer (NM_001346601.2).
Identifiers: ClinVar variation 2042135 (VCV002042135.6), dbSNP rs1414090114, ClinGen allele CA577197888.